The following is an entry in ClinVar:

NM_001379110.1(SLC9A6):c.-56-43C>G

Genes: SLC9A6 (solute carrier family 9 member A6; plus strand), LOC130068746 (ATAC-STARR-seq lymphoblastoid silent region 21025; plus strand). Cytogenetic location: Xq26.3.
Variant type: single nucleotide variant.
Coding change: c.-56-43C>G on transcript NM_001379110.1 (MANE Select); 43 bases into the intron before 56 bases upstream of the start codon, C replaced by G.
Molecular consequence: intron variant. On other transcripts: missense variant (2).
Genome position (GRCh38, 1-based): chrX:135,985,560, C>G. VCF-style: chrX-135985560-C-G. GRCh37 (hg19) VCF-style: chrX-135067719-C-G.
Other names: c.-56-43C>G (NM_001177651.2, NM_001330652.2); c.58C>G, p.Arg20Gly (NM_001042537.2, NM_006359.3); short protein forms R20G.
Identifiers: ClinVar variation 1491650 (VCV001491650.8), dbSNP rs1556614733, ClinGen allele CA414606430.
Genomic context (GRCh38, chrX:135,985,560, plus strand): 5'-GACATGGCTCGGCGCGGCTGGCGGCGGGCACCCCTCCGCCGTGGCGTCGGCAGCAGTCCC[C>G]GAGCCCGCAGGCTCATGCGGCCCCTTTGGTTGCTCCTCGCAGTGGGCGTCTTTGACTGGG-3'

ClinVar aggregate classification (germline): Uncertain significance (1 of 4 stars; one submission).

Conditions:
Christianson syndrome (MRXSCH). Also called: X-linked mental retardation, syndromic, Christianson type; INTELLECTUAL DEVELOPMENTAL DISORDER, X-LINKED, SYNDROMIC, CHRISTIANSON TYPE; SLC9A6-Related Syndromic Mental Retardation. Identifiers: Orphanet 85278, MedGen C2678194, MONDO:0010278, OMIM 300243.

Allele frequency attached by ClinVar (database versions not stated): gnomAD exomes below 0.00001 and 0.00001.
gnomAD v4.1: 3 of 1,191,698 alleles (0.00025%); highest among the groups gnomAD compares: East Asian, 0.006%; no homozygotes.

Submission:

Labcorp Genetics (formerly Invitae), Labcorp
Classification: Uncertain significance for Christianson syndrome. Last evaluated: 2024-10-16. Review status: criteria provided, single submitter. Criteria: Invitae Variant Classification Sherloc (09022015). Collection method: clinical testing. Allele origin: germline.
Comment: This sequence change replaces arginine, which is basic and polar, with glycine, which is neutral and non-polar, at codon 20 of the SLC9A6 protein (p.Arg20Gly). This variant is present in population databases (no rsID available, gnomAD 0.008%). This variant has not been reported in the literature in individuals affected with SLC9A6-related conditions. ClinVar contains an entry for this variant (Variation ID: 1491650). An algorithm developed to predict the effect of missense changes on protein structure and function outputs the following: PolyPhen-2: "Benign". The glycine amino acid residue is found in multiple mammalian species, which suggests that this missense change does not adversely affect protein function. In summary, the available evidence is currently insufficient to determine the role of this variant in disease. Therefore, it has been classified as a Variant of Uncertain Significance.